The following is an entry in ClinVar:

NC_000011.9:g.(?_59523079)_(59540787_?)del

Gene: STX3 (syntaxin 3; plus strand). Cytogenetic location: 11q12.1.
Variant type: Deletion.
Identifiers: ClinVar variation 3244754 (VCV003244754.1).

ClinVar aggregate classification (germline): Pathogenic (1 of 4 stars; one submission).

Submission:

Labcorp Genetics (formerly Invitae), Labcorp
Classification: Pathogenic. Last evaluated: 2023-12-13. Review status: criteria provided, single submitter. Criteria: Invitae Variant Classification Sherloc (09022015). Collection method: clinical testing. Allele origin: unknown.
Comment: This variant is a gross deletion of the genomic region encompassing exon(s) 1-2 of the STX3 gene, which includes the initiator codon. This deletion extends beyond the assayed region for this gene and therefore may encompass additional genes. It is expected to result in an absent or disrupted protein product. Loss-of-function variants in STX3 are known to be pathogenic (PMID: 24726755). This variant has not been reported in the literature in individuals affected with STX3-related conditions. For these reasons, this variant has been classified as Pathogenic.

Literature cited by the submitters: PubMed 24726755.